The following is an entry in ClinVar:

ClinVar aggregate classification (germline): Uncertain significance (1 of 4 stars; one submission).

Conditions:
Hereditary cancer-predisposing syndrome. Also called: Hereditary Cancer Syndrome; Tumor predisposition; Hereditary neoplastic syndrome; Neoplastic Syndromes, Hereditary. Identifiers: Orphanet 140162, MedGen C0027672, MeSH D009386, MONDO:0015356.

Submission:

Ambry Genetics
Classification: Uncertain significance for Hereditary cancer-predisposing syndrome. Last evaluated: 2024-03-17. Review status: criteria provided, single submitter. Criteria: Ambry Variant Classification Scheme 2023. Collection method: clinical testing. Allele origin: germline.
Comment: The p.E762G variant (also known as c.2285A>G), located in coding exon 14 of the CDH1 gene, results from an A to G substitution at nucleotide position 2285. The glutamic acid at codon 762 is replaced by glycine, an amino acid with similar properties. This amino acid position is conserved. In addition, this alteration is predicted to be deleterious by in silico analysis. Based on the available evidence, the clinical significance of this alteration remains unclear.

NM_004360.5(CDH1):c.2285A>G (p.Glu762Gly)

Gene: CDH1 (cadherin 1; plus strand). Cytogenetic location: 16q22.1.
Variant type: single nucleotide variant.
Coding change: c.2285A>G on transcript NM_004360.5 (MANE Select); coding-DNA position 2285, A replaced by G.
Protein change: p.Glu762Gly; replaces glutamic acid 762 with glycine.
Molecular consequence: missense variant.
Genome position (GRCh38, 1-based): chr16:68,828,294, A>G. VCF-style: chr16-68828294-A-G. GRCh37 (hg19) VCF-style: chr16-68862197-A-G.
Other names: c.2102A>G, p.Glu701Gly (NM_001317184.2); c.737A>G, p.Glu246Gly (NM_001317185.2); c.320A>G, p.Glu107Gly (NM_001317186.2); short protein forms E246G, E762G, E701G, E107G.
Identifiers: ClinVar variation 3265126 (VCV003265126.1).